The following is an entry in ClinVar:

ClinVar aggregate classification (germline): Benign/Likely benign. Review status: criteria provided, multiple submitters, no conflicts (2 of 4 stars). 3 submissions from 3 submitters: Benign (1); Likely benign (1). 1 of the submissions does not count toward it. Last evaluated 2026-01-13.

Conditions:
DNAH8-related disorder. Also called: DNAH8-related condition.
Primary ciliary dyskinesia. Also called: Ciliary dyskinesia. Identifiers: Orphanet 244, MedGen C0008780, MONDO:0016575, HP:0012265.

Allele frequency attached by ClinVar (database versions not stated): gnomAD exomes 0.00058; ExAC 0.00072; gnomAD 0.00201 and 0.00210; TOPMed 0.00244; ESP Exome Variant Server 0.00292; 1000 Genomes Project 0.00339; 1000 Genomes Project 30x 0.00359.
gnomAD v4.1: 621 of 1,580,898 alleles (0.039%); highest among the groups gnomAD compares: African/African-American, 0.68%; 2 homozygotes.

Submissions (3):

Labcorp Genetics (formerly Invitae), Labcorp
Classification: Benign for Primary ciliary dyskinesia. Last evaluated: 2026-01-13. Review status: criteria provided, single submitter. Criteria: Invitae Variant Classification Sherloc (09022015). Collection method: clinical testing. Allele origin: germline.

Blueprint Genetics
Classification: Likely benign. Last evaluated: 2024-08-15. Review status: criteria provided, single submitter. Criteria: ACMG Guidelines, 2015. Collection method: clinical testing. Allele origin: germline.

PreventionGenetics, part of Exact Sciences
Classification: Likely benign for DNAH8-related condition. Last evaluated: 2024-07-13. Review status: no assertion criteria provided. Collection method: clinical testing. Allele origin: germline. Not counted in ClinVar's aggregate classification.
Comment: This variant is classified as likely benign based on ACMG/AMP sequence variant interpretation guidelines (Richards et al. 2015 PMID: 25741868, with internal and published modifications).

NM_001206927.2(DNAH8):c.13214+10T>C

Gene: DNAH8 (dynein axonemal heavy chain 8; plus strand). Cytogenetic location: 6p21.2.
Variant type: single nucleotide variant.
Coding change: c.13214+10T>C on transcript NM_001206927.2 (MANE Select); 10 bases into the intron after coding-DNA position 13214, T replaced by C.
Molecular consequence: intron variant.
Genome position (GRCh38, 1-based): chr6:38,990,182, T>C. VCF-style: chr6-38990182-T-C. GRCh37 (hg19) VCF-style: chr6-38957958-T-C.
Other names: c.12563+10T>C (NM_001371.4).
Identifiers: ClinVar variation 238636 (VCV000238636.15), dbSNP rs112998568, ClinGen allele CA3791597.